The following is an entry in ClinVar:

NM_013447.4(ADGRE2):c.199+4C>T

Gene: ADGRE2 (adhesion G protein-coupled receptor E2; minus strand). Cytogenetic location: 19p13.12.
Variant type: single nucleotide variant.
Coding change: c.199+4C>T on transcript NM_013447.4 (MANE Select); 4 bases into the intron after coding-DNA position 199, C replaced by T.
Molecular consequence: intron variant.
Genome position (GRCh38, 1-based): chr19:14,773,934, G>A on the plus strand (C>T on the coding strand, the complement: ADGRE2 is on the minus strand). VCF-style: chr19-14773934-G-A. GRCh37 (hg19) VCF-style: chr19-14884746-G-A.
Other names: c.199+4C>T (NM_152917.2, NM_152916.2, NM_001271052.1).
Identifiers: ClinVar variation 2989172 (VCV002989172.3), dbSNP rs2044318506, ClinGen allele CA2324552786.
Genomic context (GRCh38, chr19:14,773,934, plus strand): 5'-CACTGGCACTGGGCTATGCCTCATAATCGCAGATGTCCCCTGCGCTGCCCTCAAGCCTCT[G>A]TACCGTCACAAGTCTCCATGGGGGTGGTGATGATCTCAGAAAAAGAGCTGAACCCTGGAT-3'

ClinVar aggregate classification (germline): Uncertain significance (1 of 4 stars; one submission).

Submission:

Labcorp Genetics (formerly Invitae), Labcorp
Classification: Uncertain significance. Last evaluated: 2022-12-29. Review status: criteria provided, single submitter. Criteria: Invitae Variant Classification Sherloc (09022015). Collection method: clinical testing. Allele origin: germline.
Comment: In summary, the available evidence is currently insufficient to determine the role of this variant in disease. Therefore, it has been classified as a Variant of Uncertain Significance. Variants that disrupt the consensus splice site are a relatively common cause of aberrant splicing (PMID: 17576681, 9536098). Algorithms developed to predict the effect of sequence changes on RNA splicing suggest that this variant is not likely to affect RNA splicing. This variant has not been reported in the literature in individuals affected with ADGRE2-related conditions. This variant is not present in population databases (gnomAD no frequency). This sequence change falls in intron 4 of the ADGRE2 gene. It does not directly change the encoded amino acid sequence of the ADGRE2 protein. It affects a nucleotide within the consensus splice site.

Literature cited by the submitters: PubMed 17576681; PubMed 9536098.